The following is an entry in ClinVar:

NM_001042492.3(NF1):c.5161C>T (p.His1721Tyr)

Gene: NF1 (neurofibromin 1; plus strand). Cytogenetic location: 17q11.2.
Variant type: single nucleotide variant.
Coding change: c.5161C>T on transcript NM_001042492.3 (MANE Select); coding-DNA position 5161, C replaced by T.
Protein change: p.His1721Tyr; replaces histidine 1721 with tyrosine.
Molecular consequence: missense variant.
Genome position (GRCh38, 1-based): chr17:31,326,145, C>T. VCF-style: chr17-31326145-C-T. GRCh37 (hg19) VCF-style: chr17-29653163-C-T.
Other names: c.5098C>T, p.His1700Tyr (NM_000267.4); short protein forms H1721Y, H1700Y.
Identifiers: ClinVar variation 1517940 (VCV001517940.7), dbSNP rs760936909, ClinGen allele CA8487142.

ClinVar aggregate classification (germline): Conflicting classifications of pathogenicity. Review status: criteria provided, conflicting classifications (1 of 4 stars). 2 submissions from 2 submitters: Uncertain significance (1); Likely benign (1). Last evaluated 2025-04-28.

Conditions:
Neurofibromatosis, type 1 (NF1). Also called: Neurofibromatosis, type I; Peripheral type neurofibromatosis; VON RECKLINGHAUSEN DISEASE; NEUROFIBROMATOSIS, TYPE I, SOMATIC. Identifiers: Orphanet 636, MedGen C0027831, MONDO:0018975, OMIM 162200. Disease mechanism: loss of function.
Hereditary cancer-predisposing syndrome. Also called: Neoplastic Syndromes, Hereditary; Hereditary Cancer Syndrome; Tumor predisposition; Hereditary neoplastic syndrome. Identifiers: Orphanet 140162, MedGen C0027672, MeSH D009386, MONDO:0015356.
Cardiovascular phenotype. Identifiers: MedGen CN230736.

Allele frequency attached by ClinVar (database versions not stated): gnomAD exomes below 0.00001; ExAC 0.00001; gnomAD 0.00001.
gnomAD v4.1: 3 of 1,612,716 alleles (0.00019%); highest among the groups gnomAD compares: Non-Finnish European, 0.00025%; no homozygotes.

Submissions (2):

Labcorp Genetics (formerly Invitae), Labcorp
Classification: Uncertain significance for Neurofibromatosis, type 1. Last evaluated: 2025-04-28. Review status: criteria provided, single submitter. Criteria: Invitae Variant Classification Sherloc (09022015). Collection method: clinical testing. Allele origin: germline.
Comment: This sequence change replaces histidine, which is basic and polar, with tyrosine, which is neutral and polar, at codon 1700 of the NF1 protein (p.His1700Tyr). This variant is present in population databases (rs760936909, gnomAD 0.0009%). This variant has not been reported in the literature in individuals affected with NF1-related conditions. ClinVar contains an entry for this variant (Variation ID: 1517940). Invitae Evidence Modeling of protein sequence and biophysical properties (such as structural, functional, and spatial information, amino acid conservation, physicochemical variation, residue mobility, and thermodynamic stability) indicates that this missense variant is not expected to disrupt NF1 protein function with a negative predictive value of 95%. In summary, the available evidence is currently insufficient to determine the role of this variant in disease. Therefore, it has been classified as a Variant of Uncertain Significance.

Ambry Genetics
Classification: Likely benign for Cardiovascular phenotype; Hereditary cancer-predisposing syndrome. Last evaluated: 2023-11-14. Review status: criteria provided, single submitter. Criteria: Ambry Variant Classification Scheme 2023. Collection method: clinical testing. Allele origin: germline.